The following is an entry in ClinVar:

ClinVar aggregate classification (germline): Uncertain significance (1 of 4 stars; one submission).

Conditions:
Hereditary cancer-predisposing syndrome. Also called: Tumor predisposition; Neoplastic Syndromes, Hereditary; Hereditary neoplastic syndrome; Hereditary Cancer Syndrome. Identifiers: Orphanet 140162, MedGen C0027672, MeSH D009386, MONDO:0015356.

Submission:

Ambry Genetics
Classification: Uncertain significance for Hereditary cancer-predisposing syndrome. Last evaluated: 2024-11-20. Review status: criteria provided, single submitter. Criteria: Ambry Variant Classification Scheme 2023. Collection method: clinical testing. Allele origin: germline.
Comment: The p.H506P variant (also known as c.1517A>C), located in coding exon 6 of the BARD1 gene, results from an A to C substitution at nucleotide position 1517. The histidine at codon 506 is replaced by proline, an amino acid with similar properties. This amino acid position is conserved. In addition, this alteration is predicted to be deleterious by in silico analysis. Based on the available evidence, the clinical significance of this variant remains unclear.

NM_000465.4(BARD1):c.1517A>C (p.His506Pro)

Gene: BARD1 (BRCA1 associated RING domain 1; minus strand). Cytogenetic location: 2q35.
Variant type: single nucleotide variant.
Coding change: c.1517A>C on transcript NM_000465.4 (MANE Select); coding-DNA position 1517, A replaced by C.
Protein change: p.His506Pro; replaces histidine 506 with proline.
Molecular consequence: missense variant. On other transcripts: non-coding transcript variant (3), intron variant (3).
Genome position (GRCh38, 1-based): chr2:214,767,533, T>G on the plus strand (A>C on the coding strand, the complement: BARD1 is on the minus strand). VCF-style: chr2-214767533-T-G. GRCh37 (hg19) VCF-style: chr2-215632257-T-G.
Other names: c.1460A>C, p.His487Pro (NM_001282543.2); c.159-14978A>C (NM_001282548.2); c.216-14978A>C (NM_001282545.2); c.364+24764A>C (NM_001282549.2); short protein forms H487P, H506P.
Identifiers: ClinVar variation 3479743 (VCV003479743.1).